The following is an entry in ClinVar:

ClinVar aggregate classification (germline): Conflicting classifications of pathogenicity. Review status: criteria provided, conflicting classifications (1 of 4 stars). 4 submissions from 4 submitters: Uncertain significance (3); Likely benign (1). Last evaluated 2025-08-01.

Conditions:
Inborn genetic diseases. Identifiers: MedGen C0950123, MeSH D030342.
Neurodevelopmental disorder with progressive spasticity and brain white matter abnormalities. Also called: CEREBRAL PALSY, SPASTIC QUADRIPLEGIC, 1. Identifiers: Orphanet 210141, Orphanet 641353, MedGen C5436628, MONDO:0033613, OMIM 619026.

Allele frequency attached by ClinVar (database versions not stated): gnomAD exomes 0.00023 and 0.00077; ExAC 0.00024; ESP Exome Variant Server 0.00031; gnomAD 0.00036 and 0.00038; TOPMed 0.00039.
gnomAD v4.1: 1,205 of 1,614,056 alleles (0.075%); highest among the groups gnomAD compares: Non-Finnish European, 0.095%; 2 homozygotes.

Submissions (4):

CeGaT Center for Human Genetics Tuebingen
Classification: Likely benign. Last evaluated: 2025-08-01. Review status: criteria provided, single submitter. Criteria: CeGaT Center For Human Genetics Tuebingen Variant Classification Criteria Version 2. Collection method: clinical testing. Allele origin: germline. Affected: yes. Observed: 3 variant alleles.
Comment: GAD1: PM2, BS2

Labcorp Genetics (formerly Invitae), Labcorp
Classification: Uncertain significance for Neurodevelopmental disorder with progressive spasticity and brain white matter abnormalities. Last evaluated: 2024-10-23. Review status: criteria provided, single submitter. Criteria: Invitae Variant Classification Sherloc (09022015). Collection method: clinical testing. Allele origin: germline.
Comment: This sequence change replaces tyrosine, which is neutral and polar, with phenylalanine, which is neutral and non-polar, at codon 127 of the GAD1 protein (p.Tyr127Phe). This variant is present in population databases (rs141004978, gnomAD 0.04%). This variant has not been reported in the literature in individuals affected with GAD1-related conditions. ClinVar contains an entry for this variant (Variation ID: 332229). Invitae Evidence Modeling of protein sequence and biophysical properties (such as structural, functional, and spatial information, amino acid conservation, physicochemical variation, residue mobility, and thermodynamic stability) indicates that this missense variant is not expected to disrupt GAD1 protein function with a negative predictive value of 80%. In summary, the available evidence is currently insufficient to determine the role of this variant in disease. Therefore, it has been classified as a Variant of Uncertain Significance.

Ambry Genetics
Classification: Uncertain significance for Inborn genetic diseases. Last evaluated: 2023-09-27. Review status: criteria provided, single submitter. Criteria: Ambry Variant Classification Scheme 2023. Collection method: clinical testing. Allele origin: germline.

Illumina Laboratory Services, Illumina
Classification: Uncertain significance. Last evaluated: 2018-01-12. Review status: criteria provided, single submitter. Criteria: ICSL Variant Classification Criteria 13 December 2019. Collection method: clinical testing. Allele origin: germline.

NM_000817.3(GAD1):c.380A>T (p.Tyr127Phe)

Gene: GAD1 (glutamate decarboxylase 1; plus strand). Cytogenetic location: 2q31.1.
Variant type: single nucleotide variant.
Coding change: c.380A>T on transcript NM_000817.3 (MANE Select); coding-DNA position 380, A replaced by T.
Protein change: p.Tyr127Phe; replaces tyrosine 127 with phenylalanine.
Molecular consequence: missense variant.
Genome position (GRCh38, 1-based): chr2:170,831,025, A>T. VCF-style: chr2-170831025-A-T. GRCh37 (hg19) VCF-style: chr2-171687535-A-T.
Other names: c.380A>T, p.Tyr127Phe (NM_013445.4); short protein forms Y127F.
Identifiers: ClinVar variation 332229 (VCV000332229.36), dbSNP rs141004978, ClinGen allele CA1962606.